The following is an entry in ClinVar:

ClinVar aggregate classification (germline): Uncertain significance (1 of 4 stars; one submission).

Conditions:
Familial adenomatous polyposis 1 (FAP1). Also called: FAMILIAL ADENOMATOUS POLYPOSIS 1, ATTENUATED; POLYPOSIS, ADENOMATOUS INTESTINAL. Identifiers: MedGen C2713442, MONDO:0021056, OMIM 175100. Disease mechanism: loss of function.

Submission:

Labcorp Genetics (formerly Invitae), Labcorp
Classification: Uncertain significance for Familial adenomatous polyposis 1. Last evaluated: 2021-06-19. Review status: criteria provided, single submitter. Criteria: Invitae Variant Classification Sherloc (09022015). Collection method: clinical testing. Allele origin: germline.
Comment: In summary, the available evidence is currently insufficient to determine the role of this variant in disease. Therefore, it has been classified as a Variant of Uncertain Significance. Algorithms developed to predict the effect of missense changes on protein structure and function are either unavailable or do not agree on the potential impact of this missense change (SIFT: "Deleterious"; PolyPhen-2: "Probably Damaging"; Align-GVGD: "Class C0"). This variant has not been reported in the literature in individuals with APC-related conditions. This variant is not present in population databases (ExAC no frequency). This sequence change replaces serine with proline at codon 1842 of the APC protein (p.Ser1842Pro). The serine residue is highly conserved and there is a moderate physicochemical difference between serine and proline.

NM_000038.6(APC):c.5524T>C (p.Ser1842Pro)

Gene: APC (APC regulator of Wnt signaling pathway; plus strand). Cytogenetic location: 5q22.2.
Variant type: single nucleotide variant.
Coding change: c.5524T>C on transcript NM_000038.6 (MANE Select); coding-DNA position 5524, T replaced by C.
Protein change: p.Ser1842Pro; replaces serine 1842 with proline.
Molecular consequence: missense variant.
Genome position (GRCh38, 1-based): chr5:112,841,118, T>C. VCF-style: chr5-112841118-T-C. GRCh37 (hg19) VCF-style: chr5-112176815-T-C.
Other names: c.5524T>C, p.Ser1842Pro (NM_001127510.3, NM_001354895.2); c.5470T>C, p.Ser1824Pro (NM_001127511.3); c.5578T>C, p.Ser1860Pro (NM_001354896.2); c.5554T>C, p.Ser1852Pro (NM_001354897.2); c.5449T>C, p.Ser1817Pro (NM_001354898.2); c.5440T>C, p.Ser1814Pro (NM_001354899.2); c.5401T>C, p.Ser1801Pro (NM_001354900.2); c.5347T>C, p.Ser1783Pro (NM_001354901.2); and 5 more; short protein forms S1852P, S1860P, S1559P, S1801P, S1814P, S1817P, S1751P, S1783P.
Identifiers: ClinVar variation 1500109 (VCV001500109.8), dbSNP rs754648125, ClinGen allele CA16033418.
Genomic context (GRCh38, chr5:112,841,118, plus strand): 5'-GTCTTCAATGATAAGCTCCCAAATAATGAAGATAGAGTCAGAGGAAGTTTTGCTTTTGAT[T>C]CACCTCATCATTACACGCCTATTGAAGGAACTCCTTACTGTTTTTCACGAAATGATTCTT-3'
Protein context (NP_000029.2, residues 1832-1852): DRVRGSFAFD[Ser1842Pro]PHHYTPIEGT